The following is an entry in ClinVar:

ClinVar aggregate classification (germline): Uncertain significance (1 of 4 stars; one submission).

Conditions:
Congenital myasthenic syndrome 20. Also called: Myasthenic syndrome, congenital, 20, presynaptic. Identifiers: MedGen C4310694, MONDO:0014939, OMIM 617143.
Neuronopathy, distal hereditary motor, type 7A. Also called: Neuronopathy, distal hereditary motor, type viia; NEURONOPATHY, DISTAL HEREDITARY MOTOR, HARDING TYPE VIIA; NEUROPATHY, DISTAL HEREDITARY MOTOR, HARDING TYPE VIIA; Neuronopathy, distal hereditary motor, autosomal dominant 7; HARPER-YOUNG MYOPATHY; HMN VIIA. Identifiers: Orphanet 139589, MedGen C1834703, MONDO:0008024, OMIM 158580.

Submission:

Labcorp Genetics (formerly Invitae), Labcorp
Classification: Uncertain significance for Neuronopathy, distal hereditary motor, type 7A; Congenital myasthenic syndrome 20. Last evaluated: 2025-09-28. Review status: criteria provided, single submitter. Criteria: Invitae Variant Classification Sherloc (09022015). Collection method: clinical testing. Allele origin: germline.
Comment: This sequence change replaces methionine, which is neutral and non-polar, with threonine, which is neutral and polar, at codon 526 of the SLC5A7 protein (p.Met526Thr). This variant is present in population databases (rs759183007, gnomAD 0.01%). This variant has not been reported in the literature in individuals affected with SLC5A7-related conditions. Invitae Evidence Modeling of protein sequence and biophysical properties (such as structural, functional, and spatial information, amino acid conservation, physicochemical variation, residue mobility, and thermodynamic stability) indicates that this missense variant is not expected to disrupt SLC5A7 protein function with a negative predictive value of 80%. In summary, the available evidence is currently insufficient to determine the role of this variant in disease. Therefore, it has been classified as a Variant of Uncertain Significance.

NM_021815.5(SLC5A7):c.1577T>C (p.Met526Thr)

Gene: SLC5A7 (solute carrier family 5 member 7; plus strand). Cytogenetic location: 2q12.3.
Variant type: single nucleotide variant.
Coding change: c.1577T>C on transcript NM_021815.5 (MANE Select); coding-DNA position 1577, T replaced by C.
Protein change: p.Met526Thr; replaces methionine 526 with threonine.
Molecular consequence: missense variant.
Genome position (GRCh38, 1-based): chr2:108,010,695, T>C. VCF-style: chr2-108010695-T-C. GRCh37 (hg19) VCF-style: chr2-108627151-T-C.
Other names: c.1577T>C, p.Met526Thr (NM_001305005.3); c.1262T>C, p.Met421Thr (NM_001305006.3); c.836T>C, p.Met279Thr (NM_001305007.3); short protein forms M279T, M526T, M421T.
Identifiers: ClinVar variation 4783465 (VCV004783465.1).
Genomic context (GRCh38, chr2:108,010,695, plus strand): 5'-CCTTGCCACCTAAATTAGATGTATTTGATGCTGTTGTTGCAAGACACAGTGAAGAAAACA[T>C]GGATAAGACAATTCTTGTCAAAAATGAAAATATTAAATTAGATGAACTTGCACTTGTGAA-3'
Protein context (NP_068587.1, residues 516-536): AVVARHSEEN[Met526Thr]DKTILVKNEN